The following is an entry in ClinVar:

NM_012472.6(DNAAF11):c.1024C>T (p.Arg342Ter)

Gene: DNAAF11 (dynein axonemal assembly factor 11; minus strand). Cytogenetic location: 8q24.22.
Variant type: single nucleotide variant.
Coding change: c.1024C>T on transcript NM_012472.6 (MANE Select); coding-DNA position 1024, C replaced by T.
Protein change: p.Arg342Ter; replaces arginine 342 with a stop codon.
Molecular consequence: nonsense. On other transcripts: non-coding transcript variant (10).
Genome position (GRCh38, 1-based): chr8:132,611,314, G>A on the plus strand (C>T on the coding strand, the complement: DNAAF11 is on the minus strand). VCF-style: chr8-132611314-G-A. GRCh37 (hg19) VCF-style: chr8-133623560-G-A.
Other names: c.964C>T, p.Arg322Ter (NM_001321961.2); c.778C>T, p.Arg260Ter (NM_001321962.2); c.664C>T, p.Arg222Ter (NM_001321963.2, NM_001321964.2, NM_001321965.2); c.604C>T, p.Arg202Ter (NM_001321966.2); short protein forms R202*, R222*, R260*, R322*, R342*.
Identifiers: ClinVar variation 1800310 (VCV001800310.5), dbSNP rs150975285, ClinGen allele CA4881197.

ClinVar aggregate classification (germline): Pathogenic. Review status: criteria provided, multiple submitters, no conflicts (2 of 4 stars). 2 submissions from 2 submitters: Pathogenic (2). Last evaluated 2024-02-14.

Conditions:
Primary ciliary dyskinesia 19. Also called: CILIARY DYSKINESIA, PRIMARY, 19, WITH OR WITHOUT SITUS INVERSUS. Identifiers: Orphanet 244, MedGen C3543826, MONDO:0013979, OMIM 614935.
Primary ciliary dyskinesia. Also called: Ciliary dyskinesia. Identifiers: Orphanet 244, MedGen C0008780, MONDO:0016575, HP:0012265.

Allele frequency attached by ClinVar (database versions not stated): ExAC 0.00001; TOPMed 0.00002; gnomAD 0.00003; ESP Exome Variant Server 0.00008.
gnomAD v4.1: 25 of 1,611,238 alleles (0.0016%); highest among the groups gnomAD compares: South Asian, 0.0022%; no homozygotes.

Submissions (2):

Labcorp Genetics (formerly Invitae), Labcorp
Classification: Pathogenic for Primary ciliary dyskinesia 19. Last evaluated: 2024-02-14. Review status: criteria provided, single submitter. Criteria: Invitae Variant Classification Sherloc (09022015). Collection method: clinical testing. Allele origin: germline.
Comment: This sequence change creates a premature translational stop signal (p.Arg342*) in the LRRC6 gene. It is expected to result in an absent or disrupted protein product. Loss-of-function variants in LRRC6 are known to be pathogenic (PMID: 23122589). This variant is present in population databases (rs150975285, gnomAD 0.005%). This premature translational stop signal has been observed in individual(s) with primary ciliary dyskinesia (PMID: 26228299). ClinVar contains an entry for this variant (Variation ID: 1800310). For these reasons, this variant has been classified as Pathogenic.

Ambry Genetics
Classification: Pathogenic for Primary ciliary dyskinesia. Last evaluated: 2018-07-05. Review status: criteria provided, single submitter. Criteria: Ambry Variant Classification Scheme 2023. Collection method: clinical testing. Allele origin: germline.
Comment: The p.R342* pathogenic mutation (also known as c.1024C>T), located in coding exon 9 of the LRRC6 gene, results from a C to T substitution at nucleotide position 1024. This changes the amino acid from an arginine to a stop codon within coding exon 9. This alteration is expected to result in loss of function by premature protein truncation or nonsense-mediated mRNA decay. As such, this alteration is interpreted as a disease-causing mutation.

Literature cited by the submitters: PubMed 23122589 (cited by Labcorp Genetics (formerly Invitae), Labcorp); PubMed 26228299 (cited by Labcorp Genetics (formerly Invitae), Labcorp).